The following is an entry in ClinVar:

ClinVar aggregate classification (germline): Benign/Likely benign. Review status: criteria provided, multiple submitters, no conflicts (2 of 4 stars). 17 submissions from 17 submitters: Benign (11); Likely benign (4). 2 of the submissions do not count toward it. Last evaluated 2026-10-01.

Conditions:
Hereditary cancer-predisposing syndrome. Also called: Neoplastic Syndromes, Hereditary; Tumor predisposition; Hereditary neoplastic syndrome; Hereditary Cancer Syndrome. Identifiers: Orphanet 140162, MedGen C0027672, MeSH D009386, MONDO:0015356.
Bloom syndrome (BLM). Also called: Bloom-Torre-Machacek syndrome. Identifiers: Orphanet 125, MedGen C0005859, MONDO:0008876, OMIM 210900.

Allele frequency attached by ClinVar (database versions not stated): ExAC 0.00100; 1000 Genomes Project 0.00220; 1000 Genomes Project 30x 0.00234; ESP Exome Variant Server 0.00354; gnomAD 0.00388 and 0.00421; TOPMed 0.00480.
gnomAD v4.1: 1,068 of 1,606,918 alleles (0.066%); highest among the groups gnomAD compares: African/African-American, 1.2%; 9 homozygotes.

Submissions (17):

CeGaT Center for Human Genetics Tuebingen
Classification: Likely benign. Last evaluated: 2026-10-01. Review status: criteria provided, single submitter. Criteria: CeGaT Center For Human Genetics Tuebingen Variant Classification Criteria Version 2. Collection method: clinical testing. Allele origin: germline. Affected: yes. Observed: 3 variant alleles.
Comment: BLM: BS1

Labcorp Genetics (formerly Invitae), Labcorp
Classification: Benign for Bloom syndrome. Last evaluated: 2026-02-04. Review status: criteria provided, single submitter. Criteria: Invitae Variant Classification Sherloc (09022015). Collection method: clinical testing. Allele origin: germline.

Myriad Genetics, Inc.
Classification: Benign for Bloom syndrome. Last evaluated: 2025-12-23. Review status: criteria provided, single submitter. Criteria: Myriad Autosomal Dominant, Autosomal Recessive and X-Linked Classification Criteria (2023). Collection method: clinical testing. Allele origin: unknown.
Comment: This variant is considered benign. This variant has been observed at a population frequency that is significantly greater than expected given the associated disease prevalence and penetrance. Homozygosity for this variant has been confirmed in one or more individuals lacking clinical features consistent with gene-specific recessive disease, indicating that this variant is unlikely to be pathogenic.

Dasa
Classification: Benign. Last evaluated: 2025-11-06. Review status: criteria provided, single submitter. Criteria: DASA Assertion Criteria. Collection method: clinical testing. Allele origin: germline.
Comment: NM_000057.4(BLM):c.3128C>A (p.Ala1043Asp) is a missense variant that results in the substitution of alanine with aspartic acid. Population frequency is inconsistent with a disease-causing role for this variant, and observations in unaffected individuals support a benign interpretation. Therefore, based on the currently available evidence, this variant is classified as benign.

Quest Diagnostics Nichols Institute San Juan Capistrano
Classification: Benign. Last evaluated: 2025-04-25. Review status: criteria provided, single submitter. Criteria: Quest Diagnostics criteria. Collection method: clinical testing. Allele origin: unknown.

Blueprint Genetics
Classification: Likely benign. Last evaluated: 2024-11-21. Review status: criteria provided, single submitter. Criteria: ACMG Guidelines, 2015. Collection method: clinical testing. Allele origin: germline.

KCCC/NGS Laboratory, Kuwait Cancer Control Center
Classification: Benign for Bloom syndrome. Last evaluated: 2023-07-07. Review status: criteria provided, single submitter. Criteria: ACMG Guidelines, 2015. Collection method: clinical testing. Allele origin: germline. Affected: yes.

Fulgent Genetics
Classification: Likely benign for Bloom syndrome. Last evaluated: 2021-08-26. Review status: criteria provided, single submitter. Criteria: ACMG Guidelines, 2015. Collection method: clinical testing. Allele origin: unknown.

Women's Health and Genetics/Laboratory Corporation of America, LabCorp
Classification: Benign. Last evaluated: 2021-06-28. Review status: criteria provided, single submitter. Criteria: LabCorp Variant Classification Summary - May 2015. Collection method: clinical testing. Allele origin: germline.
Comment: Variant summary: BLM c.3128C>A (p.Ala1043Asp) results in a non-conservative amino acid change in the encoded protein sequence. Three of five in-silico tools predict a benign effect of the variant on protein function. The variant allele was found at a frequency of 0.00088 in 249668 control chromosomes, predominantly at a frequency of 0.012 within the African or African-American subpopulation in the gnomAD database, including 1 homozygotes. The observed variant frequency within African or African-American control individuals in the gnomAD database is approximately 3.39 fold of the estimated maximal expected allele frequency for a pathogenic variant in BLM causing Bloom Syndrome phenotype (0.0035), strongly suggesting that the variant is a benign polymorphism found primarily in populations of African or African-American origin. At least one publication reports experimental evidence evaluating an impact on protein function. These results showed no damaging effect of this variant. Six clinical diagnostic laboratories have submitted clinical-significance assessments for this variant to ClinVar after 2014 without evidence for independent evaluation. All laboratories classified the variant as benign/likely benign. Based on the evidence outlined above, the variant was classified as benign.

Sema4
Classification: Benign for Hereditary cancer-predisposing syndrome. Last evaluated: 2020-10-23. Review status: criteria provided, single submitter. Criteria: Sema4 Curation Guidelines. Collection method: curation. Allele origin: germline.

Ambry Genetics
Classification: Likely benign for Hereditary cancer-predisposing syndrome. Last evaluated: 2018-12-19. Review status: criteria provided, single submitter. Criteria: Ambry Variant Classification Scheme 2023. Collection method: clinical testing. Allele origin: germline.

Genetic Services Laboratory, University of Chicago
Classification: Benign. Last evaluated: 2018-02-27. Review status: criteria provided, single submitter. Criteria: ACMG Guidelines, 2015. Collection method: clinical testing. Allele origin: germline. Affected: no.

Illumina Laboratory Services, Illumina
Classification: Benign for Bloom syndrome. Last evaluated: 2017-11-15. Review status: criteria provided, single submitter. Criteria: ICSL Variant Classification Criteria 13 December 2019. Collection method: clinical testing. Allele origin: germline.
Comment: This variant was observed as part of a predisposition screen in an ostensibly healthy population. A literature search was performed for the gene, cDNA change, and amino acid change (where applicable). Publications were found based on this search. The evidence from the literature, in combination with allele frequency data from public databases where available, was sufficient to rule this variant out of causing disease. Therefore, this variant is classified as benign.

Eurofins Ntd Llc (ga)
Classification: Benign. Last evaluated: 2016-03-15. Review status: criteria provided, single submitter. Criteria: EGL Classification Definitions 2015. Collection method: clinical testing. Allele origin: germline. Observed: 1 variant allele, 1 heterozygote.

GeneDx
Classification: Benign. Last evaluated: 2014-02-18. Review status: criteria provided, single submitter. Criteria: GeneDx Variant Classification (06012015). Collection method: clinical testing. Allele origin: germline. Affected: yes.
Comment: This variant is considered likely benign or benign based on one or more of the following criteria: it is a conservative change, it occurs at a poorly conserved position in the protein, it is predicted to be benign by multiple in silico algorithms, and/or has population frequency not consistent with disease.

Natera, Inc.
Classification: Likely benign for Bloom syndrome. Last evaluated: 2018-04-05. Review status: no assertion criteria provided. Collection method: clinical testing. Allele origin: germline. Not counted in ClinVar's aggregate classification.

Counsyl
Classification: Likely benign for Bloom syndrome. Last evaluated: 2017-09-29. Review status: no assertion criteria provided. Collection method: clinical testing. Allele origin: unknown. Not counted in ClinVar's aggregate classification.

Literature cited by the submitters: PubMed 28944238 (cited by Quest Diagnostics Nichols Institute San Juan Capistrano); PubMed 27876123 (cited by Quest Diagnostics Nichols Institute San Juan Capistrano and Illumina Laboratory Services, Illumina); PubMed 23129629 (cited by 4 submitters).

NM_000057.4(BLM):c.3128C>A (p.Ala1043Asp)

Gene: BLM (BLM RecQ like helicase; plus strand). Cytogenetic location: 15q26.1.
Variant type: single nucleotide variant.
Coding change: c.3128C>A on transcript NM_000057.4 (MANE Select); coding-DNA position 3128, C replaced by A.
Protein change: p.Ala1043Asp; replaces alanine 1043 with aspartic acid.
Molecular consequence: missense variant.
Genome position (GRCh38, 1-based): chr15:90,794,275, C>A. VCF-style: chr15-90794275-C-A. GRCh37 (hg19) VCF-style: chr15-91337505-C-A.
Other names: p.A1043D:GCC>GAC; c.3128C>A (LRG_20t1); c.3128C>A, p.Ala1043Asp (NM_001287246.2, NM_001287247.2); c.2003C>A, p.Ala668Asp (NM_001287248.2); short protein forms A1043D, A668D.
Identifiers: ClinVar variation 136516 (VCV000136516.48), dbSNP rs2229035, ClinGen allele CA289703.
Genomic context (GRCh38, chr15:90,794,275, plus strand): 5'-TGTATAGCATGGTACATTACTGTGAAAATATAACGGAATGCAGGAGAATACAGCTTTTGG[C>A]CTACTTTGGTGAAAATGGATTTAATCCTGATTTTTGTAAGAAACACCCAGATGTTTCTTG-3'
Protein context (NP_000048.1, residues 1033-1053): ITECRRIQLL[Ala1043Asp]YFGENGFNPD